The following is an entry in ClinVar:

ClinVar aggregate classification (germline): Uncertain significance (1 of 4 stars; one submission).

Conditions:
Cardiovascular phenotype. Identifiers: MedGen CN230736.

Allele frequency attached by ClinVar (database versions not stated): gnomAD exomes below 0.00001.
gnomAD v4.1: 3 of 1,613,500 alleles (0.00019%); highest among the groups gnomAD compares: Admixed American, 0.005%; no homozygotes.

Submission:

Ambry Genetics
Classification: Uncertain significance for Cardiovascular phenotype. Last evaluated: 2026-03-29. Review status: criteria provided, single submitter. Criteria: Ambry Variant Classification Scheme 2023. Collection method: clinical testing. Allele origin: germline.
Comment: The p.K2799N variant (also known as c.8397A>T), located in coding exon 23 of the TNXB gene, results from an A to T substitution at nucleotide position 8397. The lysine at codon 2799 is replaced by asparagine, an amino acid with similar properties. This amino acid position is conserved. In addition, this alteration is predicted to be tolerated by in silico analysis. Based on the available evidence, the clinical significance of this variant remains unclear.

NM_001365276.2(TNXB):c.8397A>T (p.Lys2799Asn)

Gene: TNXB (tenascin XB; minus strand). Cytogenetic location: 6p21.33.
Variant type: single nucleotide variant.
Coding change: c.8397A>T on transcript NM_001365276.2 (MANE Select); coding-DNA position 8397, A replaced by T.
Protein change: p.Lys2799Asn; replaces lysine 2799 with asparagine.
Molecular consequence: missense variant.
Genome position (GRCh38, 1-based): chr6:32,055,921, T>A on the plus strand (A>T on the coding strand, the complement: TNXB is on the minus strand). VCF-style: chr6-32055921-T-A. GRCh37 (hg19) VCF-style: chr6-32023698-T-A.
Other names: c.8397A>T, p.Lys2799Asn (NM_019105.8); short protein forms K2799N.
Identifiers: ClinVar variation 2298452 (VCV002298452.4), dbSNP rs2483467481, ClinGen allele CA363549125.